The following is an entry in ClinVar:

ClinVar aggregate classification (germline): Conflicting classifications of pathogenicity. Review status: criteria provided, conflicting classifications (1 of 4 stars). 2 submissions from 2 submitters: Uncertain significance (1); Likely benign (1). Last evaluated 2023-09-20.

Conditions:
Hereditary breast ovarian cancer syndrome. Also called: Hereditary breast and/or ovarian cancer syndrome; Hereditary breast and ovarian cancer syndrome; Hereditary breast and ovarian cancer; Hereditary breast and ovarian cancer syndrome (HBOC); Breast and ovarian cancer; BRCA1- and BRCA2-Associated Hereditary Breast and Ovarian Cancer. Identifiers: Orphanet 145, MedGen C0677776, MeSH D061325, MONDO:0003582. Disease mechanism: loss of function.
Hereditary cancer-predisposing syndrome. Also called: Hereditary neoplastic syndrome; Neoplastic Syndromes, Hereditary; Tumor predisposition; Hereditary Cancer Syndrome. Identifiers: Orphanet 140162, MedGen C0027672, MeSH D009386, MONDO:0015356.

Submissions (2):

Labcorp Genetics (formerly Invitae), Labcorp
Classification: Uncertain significance for Hereditary breast ovarian cancer syndrome. Last evaluated: 2023-09-20. Review status: criteria provided, single submitter. Criteria: Invitae Variant Classification Sherloc (09022015). Collection method: clinical testing. Allele origin: germline.
Comment: This sequence change replaces arginine, which is basic and polar, with serine, which is neutral and polar, at codon 507 of the BRCA2 protein (p.Arg507Ser). In summary, the available evidence is currently insufficient to determine the role of this variant in disease. Therefore, it has been classified as a Variant of Uncertain Significance. Advanced modeling of protein sequence and biophysical properties (such as structural, functional, and spatial information, amino acid conservation, physicochemical variation, residue mobility, and thermodynamic stability) performed at Invitae indicates that this missense variant is not expected to disrupt BRCA2 protein function. ClinVar contains an entry for this variant (Variation ID: 940751). This variant has not been reported in the literature in individuals affected with BRCA2-related conditions. This variant is not present in population databases (gnomAD no frequency).

University of Washington Department of Laboratory Medicine, University of Washington
Classification: Likely benign for Hereditary cancer-predisposing syndrome. Last evaluated: 2023-03-23. Review status: criteria provided, single submitter. Criteria: Dines et al. (Genet Med. 2020). Collection method: curation. Allele origin: germline.
Comment: Missense variant in a coldspot region where missense variants are very unlikely to be pathogenic (PMID:31911673).

BRCA2 exon 10 coldspot. Reclassification based on statistical prior probability.

NM_000059.4(BRCA2):c.1521A>C (p.Arg507Ser)

Gene: BRCA2 (BRCA2 DNA repair associated; plus strand). Cytogenetic location: 13q13.1.
Variant type: single nucleotide variant.
Coding change: c.1521A>C on transcript NM_000059.4 (MANE Select); coding-DNA position 1521, A replaced by C.
Protein change: p.Arg507Ser; replaces arginine 507 with serine.
Molecular consequence: missense variant.
Genome position (GRCh38, 1-based): chr13:32,332,999, A>C. VCF-style: chr13-32332999-A-C. GRCh37 (hg19) VCF-style: chr13-32907136-A-C.
Other names: short protein forms R507S.
Identifiers: ClinVar variation 940751 (VCV000940751.11), dbSNP rs2072415404, ClinGen allele CA387764557.